The following is an entry in ClinVar:

NM_014989.7(RIMS1):c.3880C>T (p.Gln1294Ter)

Gene: RIMS1 (regulating synaptic membrane exocytosis 1; plus strand). Cytogenetic location: 6q13.
Variant type: single nucleotide variant.
Coding change: c.3880C>T on transcript NM_014989.7 (MANE Select); coding-DNA position 3880, C replaced by T.
Protein change: p.Gln1294Ter; replaces glutamine 1294 with a stop codon.
Molecular consequence: nonsense. On other transcripts: intron variant (24).
Genome position (GRCh38, 1-based): chr6:72,307,287, C>T. VCF-style: chr6-72307287-C-T. GRCh37 (hg19) VCF-style: chr6-73016990-C-T.
Other names: c.1840C>T, p.Gln614Ter (NM_001168407.2); c.1801C>T, p.Gln601Ter (NM_001350414.2); c.1924C>T, p.Gln642Ter (NM_001350415.2); c.1873C>T, p.Gln625Ter (NM_001350416.2); c.1846C>T, p.Gln616Ter (NM_001350418.2); c.1954C>T, p.Gln652Ter (NM_001350420.2); c.1771C>T, p.Gln591Ter (NM_001350439.2); c.1768C>T, p.Gln590Ter (NM_001350441.2, NM_001350443.2); and 51 more; short protein forms Q509*, Q510*, Q520*, Q539*, Q568*, Q584*, Q591*, Q594*.
Identifiers: ClinVar variation 3727031 (VCV003727031.2).
Genomic context (GRCh38, chr6:72,307,287, plus strand): 5'-TTTAATAGGCTTCCATTATGTGTTTTTGCAGCAAGCTTAGTAGTGGAGGAGCGAACAAGA[C>T]AGATGAAAATGAAAGTGCATCGATTTAAGCAGACAACAGGGTCTGGTTCTAGTCAAGAAC-3'

ClinVar aggregate classification (germline): Uncertain significance (1 of 4 stars; one submission).

Submission:

Labcorp Genetics (formerly Invitae), Labcorp
Classification: Uncertain significance. Last evaluated: 2024-12-10. Review status: criteria provided, single submitter. Criteria: Invitae Variant Classification Sherloc (09022015). Collection method: clinical testing. Allele origin: germline.
Comment: This sequence change creates a premature translational stop signal (p.Gln1294*) in the RIMS1 gene. It is expected to result in an absent or disrupted protein product. However, the current clinical and genetic evidence is not sufficient to establish whether loss-of-function variants in RIMS1 cause disease. This variant is not present in population databases (gnomAD no frequency). This variant has not been reported in the literature in individuals affected with RIMS1-related conditions. In summary, the available evidence is currently insufficient to determine the role of this variant in disease. Therefore, it has been classified as a Variant of Uncertain Significance.